The following is an entry in ClinVar:

ClinVar aggregate classification (germline): Uncertain significance. Review status: criteria provided, multiple submitters, no conflicts (2 of 4 stars). 3 submissions from 3 submitters: Uncertain significance (3). Last evaluated 2026-09-12.

Conditions:
Hereditary cancer-predisposing syndrome. Also called: Neoplastic Syndromes, Hereditary; Tumor predisposition; Hereditary Cancer Syndrome; Hereditary neoplastic syndrome. Identifiers: Orphanet 140162, MedGen C0027672, MeSH D009386, MONDO:0015356.
Hereditary nonpolyposis colorectal neoplasms. Identifiers: MedGen C0009405, MeSH D003123.

Submissions (3):

Ambry Genetics
Classification: Uncertain significance for Hereditary cancer-predisposing syndrome. Last evaluated: 2026-09-12. Review status: criteria provided, single submitter. Criteria: Ambry Variant Classification Scheme 2023. Collection method: clinical testing. Allele origin: germline.
Comment: The p.H1248Q variant (also known as c.3744C>A), located in coding exon 8 of the MSH6 gene, results from a C to A substitution at nucleotide position 3744. The histidine at codon 1248 is replaced by glutamine, an amino acid with highly similar properties. This amino acid position is conserved. In addition, this alteration is predicted to be deleterious by in silico analysis. Based on the available evidence, the clinical significance of this variant remains unclear.

Labcorp Genetics (formerly Invitae), Labcorp
Classification: Uncertain significance for Hereditary nonpolyposis colorectal neoplasms. Last evaluated: 2023-06-16. Review status: criteria provided, single submitter. Criteria: Invitae Variant Classification Sherloc (09022015). Collection method: clinical testing. Allele origin: germline.
Comment: In summary, the available evidence is currently insufficient to determine the role of this variant in disease. Therefore, it has been classified as a Variant of Uncertain Significance. Advanced modeling of protein sequence and biophysical properties (such as structural, functional, and spatial information, amino acid conservation, physicochemical variation, residue mobility, and thermodynamic stability) performed at Invitae indicates that this missense variant is expected to disrupt MSH6 protein function. ClinVar contains an entry for this variant (Variation ID: 1171769). This variant has not been reported in the literature in individuals affected with MSH6-related conditions. This variant is not present in population databases (gnomAD no frequency). This sequence change replaces histidine, which is basic and polar, with glutamine, which is neutral and polar, at codon 1248 of the MSH6 protein (p.His1248Gln).

Color Diagnostics, LLC DBA Color Health
Classification: Uncertain significance for Hereditary cancer-predisposing syndrome. Last evaluated: 2020-11-24. Review status: criteria provided, single submitter. Criteria: ACMG Guidelines, 2015. Collection method: clinical testing. Allele origin: germline.
Comment: This missense variant replaces histidine with glutamine at codon 1248 of the MSH6 protein. Computational prediction suggests that this variant may have deleterious impact on protein structure and function (internally defined REVEL score threshold >= 0.7, PMID: 27666373). To our knowledge, functional studies have not been reported for this variant. This variant has not been reported in individuals affected with hereditary cancer in the literature. This variant has not been identified in the general population by the Genome Aggregation Database (gnomAD). The available evidence is insufficient to determine the role of this variant in disease conclusively. Therefore, this variant is classified as a Variant of Uncertain Significance.

NM_000179.3(MSH6):c.3744C>A (p.His1248Gln)

Gene: MSH6 (mutS homolog 6; plus strand). Cytogenetic location: 2p16.3.
Variant type: single nucleotide variant.
Coding change: c.3744C>A on transcript NM_000179.3 (MANE Select); coding-DNA position 3744, C replaced by A.
Protein change: p.His1248Gln; replaces histidine 1248 with glutamine.
Molecular consequence: missense variant.
Genome position (GRCh38, 1-based): chr2:47,806,301, C>A. VCF-style: chr2-47806301-C-A. GRCh37 (hg19) VCF-style: chr2-48033440-C-A.
Other names: c.3354C>A, p.His1118Gln (NM_001281492.2); c.2838C>A, p.His946Gln (NM_001281493.2, NM_001281494.2); short protein forms H1118Q, H1248Q, H946Q.
Identifiers: ClinVar variation 1171769 (VCV001171769.9), dbSNP rs1670056970, ClinGen allele CA346761060.